The following is an entry in ClinVar:

NM_000170.3(GLDC):c.2625T>G (p.Asn875Lys)

Gene: GLDC (glycine decarboxylase; minus strand). Cytogenetic location: 9p24.1.
Variant type: single nucleotide variant.
Coding change: c.2625T>G on transcript NM_000170.3 (MANE Select); coding-DNA position 2625, T replaced by G.
Protein change: p.Asn875Lys; replaces asparagine 875 with lysine.
Molecular consequence: missense variant.
Genome position (GRCh38, 1-based): chr9:6,540,091, A>C on the plus strand (T>G on the coding strand, the complement: GLDC is on the minus strand). VCF-style: chr9-6540091-A-C. GRCh37 (hg19) VCF-style: chr9-6540091-A-C.
Other names: short protein forms N875K.
Identifiers: ClinVar variation 2009495 (VCV002009495.4), dbSNP rs2489015901, ClinGen allele CA372883587.

ClinVar aggregate classification (germline): Uncertain significance (1 of 4 stars; one submission).

Conditions:
Glycine encephalopathy. Also called: Nonketotic hyperglycinemia; Non-ketotic hyperglycinemia. Identifiers: Orphanet 407, MedGen C0751748, MONDO:0011612, HP:0008288.

Submission:

Labcorp Genetics (formerly Invitae), Labcorp
Classification: Uncertain significance for Glycine encephalopathy. Last evaluated: 2022-06-22. Review status: criteria provided, single submitter. Criteria: Invitae Variant Classification Sherloc (09022015). Collection method: clinical testing. Allele origin: germline.
Comment: In summary, the available evidence is currently insufficient to determine the role of this variant in disease. Therefore, it has been classified as a Variant of Uncertain Significance. Advanced modeling of protein sequence and biophysical properties (such as structural, functional, and spatial information, amino acid conservation, physicochemical variation, residue mobility, and thermodynamic stability) performed at Invitae indicates that this missense variant is not expected to disrupt GLDC protein function. This variant has not been reported in the literature in individuals affected with GLDC-related conditions. This variant is not present in population databases (gnomAD no frequency). This sequence change replaces asparagine, which is neutral and polar, with lysine, which is basic and polar, at codon 875 of the GLDC protein (p.Asn875Lys).